The following is an entry in ClinVar:

ClinVar aggregate classification (germline): Uncertain significance. Review status: criteria provided, multiple submitters, no conflicts (2 of 4 stars). 2 submissions from 2 submitters: Uncertain significance (2). Last evaluated 2021-12-20.

Allele frequency attached by ClinVar (database versions not stated): gnomAD 0.00001; gnomAD exomes 0.00001; TOPMed 0.00002.

Submissions (2):

Blueprint Genetics
Classification: Uncertain significance. Last evaluated: 2021-12-20. Review status: criteria provided, single submitter. Criteria: ACMG Guidelines, 2015. Collection method: clinical testing. Allele origin: germline.

Labcorp Genetics (formerly Invitae), Labcorp
Classification: Uncertain significance. Last evaluated: 2021-07-04. Review status: criteria provided, single submitter. Criteria: Invitae Variant Classification Sherloc (09022015). Collection method: clinical testing. Allele origin: germline.
Comment: Algorithms developed to predict the effect of missense changes on protein structure and function output the following: SIFT: "Deleterious"; PolyPhen-2: "Benign"; Align-GVGD: "Class C0". The tryptophan amino acid residue is found in multiple mammalian species, which suggests that this missense change does not adversely affect protein function. This sequence change replaces arginine with tryptophan at codon 864 of the GPR179 protein (p.Arg864Trp). The arginine residue is moderately conserved and there is a moderate physicochemical difference between arginine and tryptophan. This variant is not present in population databases (ExAC no frequency). This variant has not been reported in the literature in individuals affected with GPR179-related conditions. In summary, the available evidence is currently insufficient to determine the role of this variant in disease. Therefore, it has been classified as a Variant of Uncertain Significance.

NM_001004334.4(GPR179):c.2590C>T (p.Arg864Trp)

Gene: GPR179 (G protein-coupled receptor 179; minus strand). Cytogenetic location: 17q12.
Variant type: single nucleotide variant.
Coding change: c.2590C>T on transcript NM_001004334.4 (MANE Select); coding-DNA position 2590, C replaced by T.
Protein change: p.Arg864Trp; replaces arginine 864 with tryptophan.
Molecular consequence: missense variant.
Genome position (GRCh38, 1-based): chr17:38,330,979, G>A on the plus strand (C>T on the coding strand, the complement: GPR179 is on the minus strand). VCF-style: chr17-38330979-G-A. GRCh37 (hg19) VCF-style: chr17-36486862-G-A.
Other names: short protein forms R864W.
Identifiers: ClinVar variation 1518291 (VCV001518291.9), dbSNP rs1181102678, ClinGen allele CA398882887.
Genomic context (GRCh38, chr17:38,330,979, plus strand): 5'-GCACCAGGCTGGCCATGGCTGCCTTGGCCTTCTTCCGCTCCTCCCGCTCCTTTGCTTGCC[G>A]GTAGGTCTCCTCCAGGTAGGCCTGGCTGGCCATGAGCAAGGCCTTTTCCCTGGAGCTGGC-3'
Protein context (NP_001004334.3, residues 854-874): ASQAYLEETY[Arg864Trp]QAKEREERKK